The following is an entry in ClinVar:

ClinVar aggregate classification (germline): Likely pathogenic. Review status: reviewed by expert panel (3 of 4 stars). 4 submissions from 4 submitters: Likely pathogenic (1). 3 of the submissions do not count toward it. Last evaluated 2026-08-27.

Conditions:
Hereditary breast ovarian cancer syndrome. Also called: Hereditary breast and ovarian cancer; Hereditary breast and ovarian cancer syndrome (HBOC); Breast and ovarian cancer; Hereditary breast and/or ovarian cancer syndrome; BRCA1- and BRCA2-Associated Hereditary Breast and Ovarian Cancer; Hereditary breast and ovarian cancer syndrome. Identifiers: Orphanet 145, MedGen C0677776, MeSH D061325, MONDO:0003582. Disease mechanism: loss of function.
BRCA1-related cancer predisposition. Identifiers: MedGen CN377757, MONDO:0700268.
Breast-ovarian cancer, familial, susceptibility to, 1 (BROVCA1). Also called: BRCA1 Hereditary Breast and Ovarian Cancer; OVARIAN CANCER, SUSCEPTIBILITY TO. Identifiers: Orphanet 145, MedGen C2676676, MONDO:0011450, OMIM 604370. Disease mechanism: loss of function.
Hereditary cancer-predisposing syndrome. Also called: Neoplastic Syndromes, Hereditary; Tumor predisposition; Hereditary Cancer Syndrome; Hereditary neoplastic syndrome. Identifiers: Orphanet 140162, MedGen C0027672, MeSH D009386, MONDO:0015356.

Submissions (5):

ClinGen ENIGMA BRCA1 and BRCA2 Variant Curation Expert Panel, ClinGen
Classification: Likely pathogenic for BRCA1-related cancer predisposition. Last evaluated: 2026-08-27. Review status: reviewed by expert panel. Criteria: CSpec BRCA1/2ACMG Rules Specifications V1.2. Collection method: curation. Allele origin: germline. Inheritance: Autosomal dominant inheritance.
Comment: The c.56A>C variant in BRCA1 is a missense variant predicted to cause substitution of Glutamine by Proline at amino acid 19 (p.(Q19P)). This variant is absent from gnomAD v4.1 (read depth ≥25x in >90% samples, PM2_Supporting met). This BRCA1 missense variant is within a key functional domain and a SpliceAI score of 0.03 predicts no impact on splicing (score threshold ≤0.1). The computational predictor BayesDel (noAF) gives a score of 0.33, above the recommended threshold of 0.28 for prediction of impact on BRCA1 function via protein change (PP3 met). Reported by two calibrated studies to affect protein function similar to pathogenic control variants (PMIDs:30209399, 35659930) (PS3 met). In summary, this variant meets the criteria to be classified as a Likely pathogenic variant for BRCA1-related cancer predisposition based on the ACMG/AMP criteria applied as specified by the ENIGMA BRCA1/2 VCEP (v1.2) (PS3, PM2_Supporting, PP3).

Ambry Genetics
Classification: Likely pathogenic for Hereditary cancer-predisposing syndrome. Last evaluated: 2024-07-22. Review status: criteria provided, single submitter. Criteria: Ambry Variant Classification Scheme 2023. Collection method: clinical testing. Allele origin: germline. Not counted in ClinVar's aggregate classification.
Comment: The p.Q19P variant (also known as c.56A>C), located in coding exon 1 of the BRCA1 gene, results from an A to C substitution at nucleotide position 56. The glutamine at codon 19 is replaced by proline, an amino acid with similar properties. One functional study found that this nucleotide substitution is non-functional in a high throughput genome editing haploid cell survival assay (Findlay GM et al. Nature. 2018 10;562(7726):217-222). Another functional study found that the p.Q19P variant had E3 ubiquitin ligase and BARD1 binding activity less than that of wildtype (Starita LM et al. Genetics, 2015 Jun;200:413-22). Based on internal structural analysis, Q19P is more disruptive to the RING domain of BRCA1 than a nearby pathogenic variant (Brzovic PS et al. Nat Struct Biol, 2001 Oct;8:833-7 11773071; Morris JR et al. J Biol Chem, 2002 Mar;277:9382-6). This amino acid position is highly conserved in available vertebrate species. In addition, this alteration is predicted to be deleterious by in silico analysis. This variant is considered to be rare based on population cohorts in the Genome Aggregation Database (gnomAD). Based on the majority of available evidence to date, this variant is likely to be pathogenic.

Labcorp Genetics (formerly Invitae), Labcorp
Classification: Uncertain significance for Hereditary breast ovarian cancer syndrome. Last evaluated: 2024-06-24. Review status: criteria provided, single submitter. Criteria: Invitae Variant Classification Sherloc (09022015). Collection method: clinical testing. Allele origin: germline. Not counted in ClinVar's aggregate classification.
Comment: This sequence change replaces glutamine, which is neutral and polar, with proline, which is neutral and non-polar, at codon 19 of the BRCA1 protein (p.Gln19Pro). This variant is not present in population databases (gnomAD no frequency). This variant has not been reported in the literature in individuals affected with BRCA1-related conditions. ClinVar contains an entry for this variant (Variation ID: 867727). Advanced modeling performed at Invitae incorporating data from internal and/or published experimental studies (PMID: 30209399) indicates that this missense variant is expected to disrupt BRCA1 function with a positive predictive value of 95%. Experimental studies have shown that this missense change affects BRCA1 function (PMID: 30209399). In summary, the available evidence is currently insufficient to determine the role of this variant in disease. Therefore, it has been classified as a Variant of Uncertain Significance.

Baylor Genetics
Classification: Uncertain significance for Breast-ovarian cancer, familial, susceptibility to, 1. Last evaluated: 2023-11-29. Review status: criteria provided, single submitter. Criteria: ACMG Guidelines, 2015. Collection method: clinical testing. Allele origin: unknown. Not counted in ClinVar's aggregate classification.

Brotman Baty Institute, University of Washington
No classification provided (evidence only). Condition: Breast-ovarian cancer, familial 1. Review status: no classification provided. Collection method: in vitro. Allele origin: not applicable. Functional consequence: functionally_abnormal. Not counted in ClinVar's aggregate classification.
ClinVar note: "not provided" was previously submitted as the classification for the variant. However, the classification appeared to be based only on an observation of functional data so it was converted to no classification on 2025-07-30.

Literature cited by the submitters: PubMed 11573085 (cited by Ambry Genetics); PubMed 11773071 (cited by Ambry Genetics); PubMed 25823446 (cited by Ambry Genetics); PubMed 30209399 (cited by Ambry Genetics and Labcorp Genetics (formerly Invitae), Labcorp).

NM_007294.4(BRCA1):c.56A>C (p.Gln19Pro)

Gene: BRCA1 (BRCA1 DNA repair associated; minus strand). Cytogenetic location: 17q21.31.
Variant type: single nucleotide variant.
Coding change: c.56A>C on transcript NM_007294.4 (MANE Select); coding-DNA position 56, A replaced by C.
Protein change: p.Gln19Pro; replaces glutamine 19 with proline.
Molecular consequence: missense variant. On other transcripts: 5 prime UTR variant (1), non-coding transcript variant (1).
Genome position (GRCh38, 1-based): chr17:43,124,041, T>G on the plus strand (A>C on the coding strand, the complement: BRCA1 is on the minus strand). VCF-style: chr17-43124041-T-G. GRCh37 (hg19) VCF-style: chr17-41276058-T-G.
Other names: NM_007294.4(BRCA1):c.56A>C; p.Gln19Pro; c.56A>C, p.Gln19Pro (NM_001407680.1, NM_001407681.1, NM_001407682.1 and 193 more transcripts); c.-205A>C (NM_001407725.1, NM_001407730.1, NM_001407734.1 and 22 more transcripts); c.-151A>C (NM_001407726.1, NM_001407751.1); c.-202A>C (NM_001407727.1, NM_001407731.1, NM_001407733.1 and 11 more transcripts); c.-32A>C (NM_001407732.1, NM_001407736.1, NM_001407738.1 and 23 more transcripts); c.-209A>C (NM_001407741.1, NM_001407934.1, NM_001408497.1); and 10 more; short protein forms Q19P.
Identifiers: ClinVar variation 867727 (VCV000867727.17), dbSNP rs2055725680, ClinGen allele CA10602046.